The following is an entry in ClinVar:

NM_001148.6(ANK2):c.5744C>T (p.Pro1915Leu)

Genes: ANK2 (ankyrin 2; plus strand), LOC126807136 (MED14-independent group 3 enhancer GRCh37_chr4:114274931-114276130; plus strand). Cytogenetic location: 4q26.
Variant type: single nucleotide variant.
Coding change: c.5744C>T on transcript NM_001148.6 (MANE Select); coding-DNA position 5744, C replaced by T.
Protein change: p.Pro1915Leu; replaces proline 1915 with leucine.
Molecular consequence: missense variant. On other transcripts: intron variant (68).
Genome position (GRCh38, 1-based): chr4:113,354,362, C>T. VCF-style: chr4-113354362-C-T. GRCh37 (hg19) VCF-style: chr4-114275518-C-T.
Other names: c.5510C>T, p.Pro1837Leu (NM_001386142.1); c.2144C>T, p.Pro715Leu (NM_001386166.1); c.5885C>T, p.Pro1962Leu (NM_001386174.1); c.5861C>T, p.Pro1954Leu (NM_001386175.1); c.4411+4113C>T (NM_001386186.2, NM_001386148.2); c.4213+4113C>T (NM_001354269.3); c.4291+4113C>T (NM_001386187.2); c.4252+4113C>T (NM_001386147.1); and 35 more; short protein forms P1915L, P1954L, P1962L, P1837L, P715L.
Identifiers: ClinVar variation 2160237 (VCV002160237.5), dbSNP rs1717005319, ClinGen allele CA357921142.

ClinVar aggregate classification (germline): Uncertain significance. Review status: criteria provided, multiple submitters, no conflicts (2 of 4 stars). 2 submissions from 2 submitters: Uncertain significance (2). Last evaluated 2023-02-13.

Conditions:
Long QT syndrome (LQTS). Identifiers: MedGen C0023976, MeSH D008133, MONDO:0002442. Disease mechanism: loss of function. Inheritance: Various modes of inheritance.

Allele frequency attached by ClinVar (database versions not stated): gnomAD 0.00001.
gnomAD v4.1: 6 of 1,613,980 alleles (0.00037%); highest among the groups gnomAD compares: Admixed American, 0.0033%; no homozygotes.

Submissions (2):

GeneDx
Classification: Uncertain significance. Last evaluated: 2023-02-13. Review status: criteria provided, single submitter. Criteria: GeneDx Variant Classification Process June 2021. Collection method: clinical testing. Allele origin: germline. Affected: yes.
Comment: Not observed at significant frequency in large population cohorts (gnomAD); In silico analysis supports that this missense variant does not alter protein structure/function; Has not been previously published as pathogenic or benign to our knowledge

Labcorp Genetics (formerly Invitae), Labcorp
Classification: Uncertain significance for Long QT syndrome. Last evaluated: 2022-04-16. Review status: criteria provided, single submitter. Criteria: Invitae Variant Classification Sherloc (09022015). Collection method: clinical testing. Allele origin: germline.
Comment: In summary, the available evidence is currently insufficient to determine the role of this variant in disease. Therefore, it has been classified as a Variant of Uncertain Significance. Algorithms developed to predict the effect of missense changes on protein structure and function are either unavailable or do not agree on the potential impact of this missense change (SIFT: "Deleterious"; PolyPhen-2: "Probably Damaging"; Align-GVGD: "Class C0"). This variant has not been reported in the literature in individuals affected with ANK2-related conditions. This variant is not present in population databases (gnomAD no frequency). This sequence change replaces proline, which is neutral and non-polar, with leucine, which is neutral and non-polar, at codon 1915 of the ANK2 protein (p.Pro1915Leu).